The following is an entry in ClinVar:

ClinVar aggregate classification (germline): Uncertain significance. Review status: criteria provided, multiple submitters, no conflicts (2 of 4 stars). 4 submissions from 4 submitters: Uncertain significance (4). Last evaluated 2024-03-06.

Conditions:
Familial adenomatous polyposis 1 (FAP1). Also called: POLYPOSIS, ADENOMATOUS INTESTINAL; FAMILIAL ADENOMATOUS POLYPOSIS 1, ATTENUATED. Identifiers: MedGen C2713442, MONDO:0021056, OMIM 175100. Disease mechanism: loss of function.
Hereditary cancer-predisposing syndrome. Also called: Hereditary Cancer Syndrome; Neoplastic Syndromes, Hereditary; Tumor predisposition; Hereditary neoplastic syndrome. Identifiers: Orphanet 140162, MedGen C0027672, MeSH D009386, MONDO:0015356.

Allele frequency attached by ClinVar (database versions not stated): gnomAD exomes below 0.00001.
gnomAD v4.1: 3 of 1,614,052 alleles (0.00019%); highest among the groups gnomAD compares: Admixed American, 0.0017%; no homozygotes.

Submissions (4):

Color Diagnostics, LLC DBA Color Health
Classification: Uncertain significance for Hereditary cancer-predisposing syndrome. Last evaluated: 2024-03-06. Review status: criteria provided, single submitter. Criteria: ACMG Guidelines, 2015. Collection method: clinical testing. Allele origin: germline.
Comment: This missense variant replaces valine with leucine at codon 2436 of the APC protein. Computational prediction suggests that this variant may not impact protein structure and function (internally defined REVEL score threshold <= 0.5, PMID: 27666373). To our knowledge, functional studies have not been reported for this variant. This variant has not been reported in individuals affected with APC-related disorders in the literature. This variant has not been identified in the general population by the Genome Aggregation Database (gnomAD). The available evidence is insufficient to determine the role of this variant in disease conclusively. Therefore, this variant is classified as a Variant of Uncertain Significance.

Ambry Genetics
Classification: Uncertain significance for Hereditary cancer-predisposing syndrome. Last evaluated: 2023-12-15. Review status: criteria provided, single submitter. Criteria: Ambry Variant Classification Scheme 2023. Collection method: clinical testing. Allele origin: germline.
Comment: The p.V2436L variant (also known as c.7306G>T), located in coding exon 15 of the APC gene, results from a G to T substitution at nucleotide position 7306. The valine at codon 2436 is replaced by leucine, an amino acid with highly similar properties. This amino acid position is conserved. In addition, in silico predictors for this gene do not accurately predict pathogenicity. Since supporting evidence is limited at this time, the clinical significance of this alteration remains unclear.

Labcorp Genetics (formerly Invitae), Labcorp
Classification: Uncertain significance for Familial adenomatous polyposis 1. Last evaluated: 2023-12-14. Review status: criteria provided, single submitter. Criteria: Invitae Variant Classification Sherloc (09022015). Collection method: clinical testing. Allele origin: germline.
Comment: This sequence change replaces valine, which is neutral and non-polar, with leucine, which is neutral and non-polar, at codon 2436 of the APC protein (p.Val2436Leu). This variant is not present in population databases (gnomAD no frequency). This variant has not been reported in the literature in individuals affected with APC-related conditions. ClinVar contains an entry for this variant (Variation ID: 490359). Advanced modeling of protein sequence and biophysical properties (such as structural, functional, and spatial information, amino acid conservation, physicochemical variation, residue mobility, and thermodynamic stability) performed at Invitae indicates that this missense variant is not expected to disrupt APC protein function with a negative predictive value of 95%. In summary, the available evidence is currently insufficient to determine the role of this variant in disease. Therefore, it has been classified as a Variant of Uncertain Significance.

Women's Health and Genetics/Laboratory Corporation of America, LabCorp
Classification: Uncertain significance. Last evaluated: 2020-01-13. Review status: criteria provided, single submitter. Criteria: LabCorp Variant Classification Summary - May 2015. Collection method: clinical testing. Allele origin: germline.
Comment: Variant summary: APC c.7306G>T (p.Val2436Leu) results in a conservative amino acid change located in the Adenomatous polyposis coli protein basic domain (IPR009234) of the encoded protein sequence. Five of five in-silico tools predict a benign effect of the variant on protein function. The variant was absent in 250752 control chromosomes. The available data on variant occurrences in the general population are insufficient to allow any conclusion about variant significance. To our knowledge, no occurrence of c.7306G>T in individuals affected with Familial Adenomatous Polyposis and no experimental evidence demonstrating its impact on protein function have been reported. One clinical diagnostic laboratory has submitted clinical-significance assessments for this variant to ClinVar after 2014 without evidence for independent evaluation and classified the variant as uncertain significance. Based on the evidence outlined above, the variant was classified as uncertain significance.

NM_000038.6(APC):c.7306G>T (p.Val2436Leu)

Gene: APC (APC regulator of Wnt signaling pathway; plus strand). Cytogenetic location: 5q22.2.
Variant type: single nucleotide variant.
Coding change: c.7306G>T on transcript NM_000038.6 (MANE Select); coding-DNA position 7306, G replaced by T.
Protein change: p.Val2436Leu; replaces valine 2436 with leucine.
Molecular consequence: missense variant.
Genome position (GRCh38, 1-based): chr5:112,842,900, G>T. VCF-style: chr5-112842900-G-T. GRCh37 (hg19) VCF-style: chr5-112178597-G-T.
Other names: c.7306G>T, p.Val2436Leu (NM_001127510.3, NM_001354895.2); c.7252G>T, p.Val2418Leu (NM_001127511.3); c.7360G>T, p.Val2454Leu (NM_001354896.2); c.7336G>T, p.Val2446Leu (NM_001354897.2); c.7231G>T, p.Val2411Leu (NM_001354898.2); c.7222G>T, p.Val2408Leu (NM_001354899.2); c.7183G>T, p.Val2395Leu (NM_001354900.2); c.7129G>T, p.Val2377Leu (NM_001354901.2); and 5 more; short protein forms V2418L, V2436L, V2310L, V2345L, V2335L, V2153L, V2411L, V2454L.
Identifiers: ClinVar variation 490359 (VCV000490359.56), dbSNP rs1029102261, ClinGen allele CA16037243.
Genomic context (GRCh38, chr5:112,842,900, plus strand): 5'-CTTTCTAGAATGTCTTCAACTAAATCAAGTGGAAGTGAATCTGATAGATCAGAAAGACCT[G>T]TATTAGTACGCCAGTCAACTTTCATCAAAGAAGCTCCAAGCCCAACCTTAAGAAGAAAAT-3'
Protein context (NP_000029.2, residues 2426-2446): GSESDRSERP[Val2436Leu]LVRQSTFIKE